The following is an entry in ClinVar:

ClinVar aggregate classification (germline): Pathogenic (1 of 4 stars; one submission).

Conditions:
Congenital hyperammonemia, type I. Also called: CPS I DEFICIENCY; Carbamoyl phosphate synthetase I deficiency disease; Carbamoyl-phosphate synthase I deficiency; Carbamoyl phosphate synthetase 1 deficiency; Hyperammonemia due to carbamoyl phosphate synthetase 1 deficiency; CPS 1 deficiency. Identifiers: Orphanet 147, MedGen C4082171, MONDO:0009376, OMIM 237300.

Submission:

Labcorp Genetics (formerly Invitae), Labcorp
Classification: Pathogenic for Congenital hyperammonemia, type I. Last evaluated: 2019-11-23. Review status: criteria provided, single submitter. Criteria: Invitae Variant Classification Sherloc (09022015). Collection method: clinical testing. Allele origin: germline.
Comment: Loss-of-function variants in CPS1 are known to be pathogenic (PMID: 21120950). This variant has not been reported in the literature in individuals with CPS1-related conditions. This variant is not present in population databases (ExAC no frequency). This sequence change creates a premature translational stop signal (p.Met792Argfs*4) in the CPS1 gene. It is expected to result in an absent or disrupted protein product. For these reasons, this variant has been classified as Pathogenic.

Literature cited by the submitters: PubMed 21120950.

NM_001875.5(CPS1):c.2375del (p.Met792fs)

Gene: CPS1 (carbamoyl-phosphate synthase 1; plus strand). Cytogenetic location: 2q34.
Variant type: Deletion.
Coding change: c.2375del on transcript NM_001875.5 (MANE Select); coding-DNA position 2375, one base deleted (T; older notation c.2375delT).
Protein change: p.Met792fs; shifts the reading frame from methionine 792.
Molecular consequence: frameshift variant. On other transcripts: non-coding transcript variant (2).
Genome position (GRCh38, 1-based): chr2:210,608,543, T deleted. VCF-style (leftmost placement, unchanged base first): chr2-210608542-AT-A. GRCh37 (hg19) VCF-style: chr2-211473266-AT-A.
Other names: c.2375del, p.Met792fs (NM_001122633.3, NM_001369257.1); c.2408del, p.Met803fs (NM_001369256.1); short protein forms M803fs, M792fs.
Identifiers: ClinVar variation 841248 (VCV000841248.7), dbSNP rs1699004800, ClinGen allele CA916081389.
Genomic context (GRCh38, chr2:210,608,542, plus strand): 5'-AAGATTCCCCGCTGGGATCTTGACCGTTTTCATGGAACATCTAGCCGAATTGGTAGCTCT[AT>A]GAAAAGTGTAGGAGAGGTGAGTCCTTGGTTTATTACGCTTTTCTTCTTGTTCTCAGTTAT-3'